The following is an entry in ClinVar:

NM_001128178.3(NPHP1):c.1999G>A (p.Asp667Asn)

Gene: NPHP1 (nephrocystin 1; minus strand). Cytogenetic location: 2q13.
Variant type: single nucleotide variant.
Coding change: c.1999G>A on transcript NM_001128178.3 (MANE Select); coding-DNA position 1999, G replaced by A.
Protein change: p.Asp667Asn; replaces aspartic acid 667 with asparagine.
Molecular consequence: missense variant. On other transcripts: 3 prime UTR variant (1).
Genome position (GRCh38, 1-based): chr2:110,123,826, C>T on the plus strand (G>A on the coding strand, the complement: NPHP1 is on the minus strand). VCF-style: chr2-110123826-C-T. GRCh37 (hg19) VCF-style: chr2-110881403-C-T.
Other names: p.Asp723Asn; c.2167G>A, p.Asp723Asn (NM_000272.5); c.1810G>A, p.Asp604Asn (NM_001128179.3); c.1996G>A, p.Asp666Asn (NM_001374256.1); c.*241G>A (NM_001374257.1); c.2164G>A, p.Asp722Asn (NM_207181.4); short protein forms D604N, D667N, D723N, D666N, D722N.
Identifiers: ClinVar variation 4540657 (VCV004540657.1).

ClinVar aggregate classification (germline): Uncertain significance (1 of 4 stars; one submission).

Submission:

Mayo Clinic Laboratories, Mayo Clinic
Classification: Uncertain significance. Last evaluated: 2024-11-08. Review status: criteria provided, single submitter. Criteria: ACMG Guidelines, 2015. Collection method: clinical testing. Allele origin: germline. Observed: 1 variant allele.
Comment: PM2_supporting